The following is an entry in ClinVar:

ClinVar aggregate classification (germline): Uncertain significance (1 of 4 stars; one submission).

Conditions:
Charcot-Marie-Tooth disease, demyelinating, IIA 1I. Also called: CHARCOT-MARIE-TOOTH NEUROPATHY, TYPE 1I; Charcot-Marie-Tooth disease, demyelinating, type 1I. Identifiers: MedGen C5676914, MONDO:0030677, OMIM 619742.

Submission:

3billion
Classification: Uncertain significance for Charcot-Marie-Tooth disease, demyelinating, IIA 1I. Last evaluated: 2025-01-30. Review status: criteria provided, single submitter. Criteria: ACMG Guidelines, 2015. Collection method: clinical testing. Allele origin: germline. Affected: yes.
Comment: The variant is not observed in the gnomAD v4.1.0 dataset. Predicted Consequence/Location: Missense variant In silico tool predictions suggest damaging effect of the variant on gene or gene product [REVEL: 0.79 (>=0.6, sensitivity 0.68 and specificity 0.92); 3Cnet: 0.99 (>=0.6, sensitivity 0.72 and precision 0.9)]. Therefore, this variant is classified as VUS according to the recommendation of ACMG/AMP guideline.

NM_018082.6(POLR3B):c.1485C>G (p.Asn495Lys)

Gene: POLR3B (RNA polymerase III subunit B; plus strand). Cytogenetic location: 12q23.3.
Variant type: single nucleotide variant.
Coding change: c.1485C>G on transcript NM_018082.6 (MANE Select); coding-DNA position 1485, C replaced by G.
Protein change: p.Asn495Lys; replaces asparagine 495 with lysine.
Molecular consequence: missense variant.
Genome position (GRCh38, 1-based): chr12:106,432,338, C>G. VCF-style: chr12-106432338-C-G. GRCh37 (hg19) VCF-style: chr12-106826116-C-G.
Other names: c.1311C>G, p.Asn437Lys (NM_001160708.2); short protein forms N437K, N495K.
Identifiers: ClinVar variation 4293434 (VCV004293434.1).